The following is an entry in ClinVar:

NM_001379200.1(TBX1):c.1024G>T (p.Gly342Cys)

Gene: TBX1 (T-box transcription factor 1; plus strand). Cytogenetic location: 22q11.21.
Variant type: single nucleotide variant.
Coding change: c.1024G>T on transcript NM_001379200.1 (MANE Select); coding-DNA position 1024, G replaced by T.
Protein change: p.Gly342Cys; replaces glycine 342 with cysteine.
Molecular consequence: missense variant.
Genome position (GRCh38, 1-based): chr22:19,765,990, G>T. VCF-style: chr22-19765990-G-T. GRCh37 (hg19) VCF-style: chr22-19753513-G-T.
Other names: c.997G>T, p.Gly333Cys (NM_005992.1, NM_080646.2, NM_080647.1); short protein forms G342C, G333C.
Identifiers: ClinVar variation 963562 (VCV000963562.9), dbSNP rs1294861011, ClinGen allele CA410683917.

ClinVar aggregate classification (germline): Uncertain significance (1 of 4 stars; one submission).

Conditions:
DiGeorge syndrome. Also called: THIRD AND FOURTH PHARYNGEAL POUCH SYNDROME; Catch22. Identifiers: Orphanet 567, MedGen C0012236, MONDO:0008564, OMIM 188400.

Allele frequency attached by ClinVar (database versions not stated): TOPMed below 0.00001.

Submission:

Labcorp Genetics (formerly Invitae), Labcorp
Classification: Uncertain significance for DiGeorge syndrome. Last evaluated: 2022-07-12. Review status: criteria provided, single submitter. Criteria: Invitae Variant Classification Sherloc (09022015). Collection method: clinical testing. Allele origin: germline.
Comment: Algorithms developed to predict the effect of missense changes on protein structure and function are either unavailable or do not agree on the potential impact of this missense change (SIFT: "Deleterious"; PolyPhen-2: "Probably Damaging"; Align-GVGD: "Class C0"). In summary, the available evidence is currently insufficient to determine the role of this variant in disease. Therefore, it has been classified as a Variant of Uncertain Significance. ClinVar contains an entry for this variant (Variation ID: 963562). This variant is not present in population databases (gnomAD no frequency). This variant has not been reported in the literature in individuals affected with TBX1-related conditions. This sequence change replaces glycine, which is neutral and non-polar, with cysteine, which is neutral and slightly polar, at codon 333 of the TBX1 protein (p.Gly333Cys).